The following is an entry in ClinVar:

NM_005751.5(AKAP9):c.1588C>G (p.Leu530Val)

Gene: AKAP9 (A-kinase anchoring protein 9; plus strand). Cytogenetic location: 7q21.2.
Variant type: single nucleotide variant.
Coding change: c.1588C>G on transcript NM_005751.5 (MANE Select); coding-DNA position 1588, C replaced by G.
Protein change: p.Leu530Val; replaces leucine 530 with valine.
Molecular consequence: missense variant.
Genome position (GRCh38, 1-based): chr7:92,001,505, C>G. VCF-style: chr7-92001505-C-G. GRCh37 (hg19) VCF-style: chr7-91630819-C-G.
Other names: c.1588C>G, p.Leu530Val (NM_147185.3); short protein forms L530V.
Identifiers: ClinVar variation 1775844 (VCV001775844.2), dbSNP rs559508511, ClinGen allele CA368122133.

ClinVar aggregate classification (germline): Uncertain significance (1 of 4 stars; one submission).

Conditions:
Cardiovascular phenotype. Identifiers: MedGen CN230736.

Allele frequency attached by ClinVar (database versions not stated): TOPMed 0.00003.
gnomAD v4.1: 3 of 1,613,734 alleles (0.00019%); highest among the groups gnomAD compares: Non-Finnish European, 0.000085%; no homozygotes.

Submission:

Ambry Genetics
Classification: Uncertain significance for Cardiovascular phenotype. Last evaluated: 2021-01-12. Review status: criteria provided, single submitter. Criteria: Ambry Variant Classification Scheme 2023. Collection method: clinical testing. Allele origin: germline.
Comment: The p.L530V variant (also known as c.1588C>G), located in coding exon 8 of the AKAP9 gene, results from a C to G substitution at nucleotide position 1588. The leucine at codon 530 is replaced by valine, an amino acid with highly similar properties. This amino acid position is not well conserved in available vertebrate species, and valine is the reference amino acid in other vertebrate species. In addition, this alteration is predicted to be tolerated by in silico analysis. Since supporting evidence is limited at this time, the clinical significance of this alteration remains unclear.